The following is an entry in ClinVar:

NM_005984.5(SLC25A1):c.718C>T (p.Pro240Ser)

Gene: SLC25A1 (solute carrier family 25 member 1; minus strand). Cytogenetic location: 22q11.21.
Variant type: single nucleotide variant.
Coding change: c.718C>T on transcript NM_005984.5 (MANE Select); coding-DNA position 718, C replaced by T.
Protein change: p.Pro240Ser; replaces proline 240 with serine.
Molecular consequence: missense variant. On other transcripts: non-coding transcript variant (1).
Genome position (GRCh38, 1-based): chr22:19,176,607, G>A on the plus strand (C>T on the coding strand, the complement: SLC25A1 is on the minus strand). VCF-style: chr22-19176607-G-A. GRCh37 (hg19) VCF-style: chr22-19164120-G-A.
Other names: c.739C>T, p.Pro247Ser (NM_001256534.2); c.409C>T, p.Pro137Ser (NM_001287387.2); short protein forms P137S, P240S, P247S.
Identifiers: ClinVar variation 855783 (VCV000855783.9), dbSNP rs2083964342, ClinGen allele CA410636100.
Genomic context (GRCh38, chr22:19,176,607, plus strand): 5'-CCCCTTCCCCTCCCCTTCCCGGCCCCACCACCTGCATCCGGGTCTTAATCACATCCAGAG[G>A]AGTGTTTCCAAAGACACTGGCTGCGCCTGCAATAGCTCCGAAGACCCCAGTGATCAGAGG-3'
Protein context (NP_005975.1, residues 230-250): AGAASVFGNT[Pro240Ser]LDVIKTRMQG

ClinVar aggregate classification (germline): Uncertain significance (1 of 4 stars; one submission).

Submission:

Labcorp Genetics (formerly Invitae), Labcorp
Classification: Uncertain significance. Last evaluated: 2019-01-20. Review status: criteria provided, single submitter. Criteria: Invitae Variant Classification Sherloc (09022015). Collection method: clinical testing. Allele origin: germline.
Comment: In summary, the available evidence is currently insufficient to determine the role of this variant in disease. Therefore, it has been classified as a Variant of Uncertain Significance. Algorithms developed to predict the effect of missense changes on protein structure and function are either unavailable or do not agree on the potential impact of this missense change (SIFT: "Tolerated"; PolyPhen-2: "Probably Damaging"; Align-GVGD: "Class C0"). This variant has not been reported in the literature in individuals with SLC25A1-related conditions. This variant is not present in population databases (ExAC no frequency). This sequence change replaces proline with serine at codon 240 of the SLC25A1 protein (p.Pro240Ser). The proline residue is highly conserved and there is a moderate physicochemical difference between proline and serine.